The following is an entry in ClinVar:

ClinVar aggregate classification (germline): Conflicting classifications of pathogenicity. Review status: criteria provided, conflicting classifications (1 of 4 stars). 2 submissions from 2 submitters: Uncertain significance (1); Likely benign (1). Last evaluated 2024-10-23.

Conditions:
Hereditary cancer-predisposing syndrome. Also called: Hereditary neoplastic syndrome; Hereditary Cancer Syndrome; Tumor predisposition; Neoplastic Syndromes, Hereditary. Identifiers: Orphanet 140162, MedGen C0027672, MeSH D009386, MONDO:0015356.
Familial adenomatous polyposis 2. Also called: COLORECTAL ADENOMATOUS POLYPOSIS, AUTOSOMAL RECESSIVE; ADENOMAS, MULTIPLE COLORECTAL, AUTOSOMAL RECESSIVE; MUTYH Polyposis; MUTYH-related attenuated familial adenomatous polyposis; Adenomas, multiple colorectal; FAP type 2. Identifiers: Orphanet 220460, Orphanet 247798, MedGen C3272841, MONDO:0012041, OMIM 608456.

Submissions (2):

Labcorp Genetics (formerly Invitae), Labcorp
Classification: Likely benign for Familial adenomatous polyposis 2. Last evaluated: 2024-10-23. Review status: criteria provided, single submitter. Criteria: Invitae Variant Classification Sherloc (09022015). Collection method: clinical testing. Allele origin: germline.

Color Diagnostics, LLC DBA Color Health
Classification: Uncertain significance for Hereditary cancer-predisposing syndrome. Last evaluated: 2020-08-24. Review status: criteria provided, single submitter. Criteria: ACMG Guidelines, 2015. Collection method: clinical testing. Allele origin: germline.
Comment: This variant causes a C to T nucleotide substitution at the -11 position of intron 2 of the MUTYH gene. To our knowledge, functional studies have not been reported for this variant. This variant has not been reported in individuals affected with hereditary cancer in the literature. This variant has not been identified in the general population by the Genome Aggregation Database (gnomAD). The available evidence is insufficient to determine the role of this variant in disease conclusively. Therefore, this variant is classified as a Variant of Uncertain Significance.

NM_001048174.2(MUTYH):c.116-53C>T

Gene: MUTYH (mutY DNA glycosylase; minus strand). Cytogenetic location: 1p34.1.
Variant type: single nucleotide variant.
Coding change: c.116-53C>T on transcript NM_001048174.2 (MANE Select); 53 bases into the intron before coding-DNA position 116, C replaced by T.
Molecular consequence: intron variant.
Genome position (GRCh38, 1-based): chr1:45,333,614, G>A on the plus strand (C>T on the coding strand, the complement: MUTYH is on the minus strand). VCF-style: chr1-45333614-G-A. GRCh37 (hg19) VCF-style: chr1-45799286-G-A.
Other names: c.-92-117C>T (NM_001350651.2); c.-97-117C>T (NM_001293192.2, NM_001293196.2); c.-156-53C>T (NM_001350650.2); c.116-53C>T (NM_001048171.2, NM_001048173.2, NM_001293195.2); c.158-50C>T (NM_001293190.2); c.158-20C>T (NM_012222.3); c.158-11C>T (NM_001128425.2); c.116-50C>T (NM_001048172.2); and 1 more.
Identifiers: ClinVar variation 1171108 (VCV001171108.7), dbSNP rs2149177611, ClinGen allele CA2499214781.